The following is an entry in ClinVar:

NM_006459.4(ERLIN1):c.773C>T (p.Ala258Val)

Gene: ERLIN1 (ER lipid raft associated 1; minus strand). Cytogenetic location: 10q24.31.
Variant type: single nucleotide variant.
Coding change: c.773C>T on transcript NM_006459.4 (MANE Select); coding-DNA position 773, C replaced by T.
Protein change: p.Ala258Val; replaces alanine 258 with valine.
Molecular consequence: missense variant. On other transcripts: non-coding transcript variant (6).
Genome position (GRCh38, 1-based): chr10:100,154,912, G>A on the plus strand (C>T on the coding strand, the complement: ERLIN1 is on the minus strand). VCF-style: chr10-100154912-G-A. GRCh37 (hg19) VCF-style: chr10-101914669-G-A.
Other names: c.773C>T, p.Ala258Val (NM_001100626.2, NM_001347857.2, NM_001347859.2 and 2 more transcripts); c.521C>T, p.Ala174Val (NM_001347856.2); c.293C>T, p.Ala98Val (NM_001347858.2); short protein forms A258V, A174V, A98V.
Identifiers: ClinVar variation 476196 (VCV000476196.11), dbSNP rs763392279, ClinGen allele CA5646003.

ClinVar aggregate classification (germline): Uncertain significance. Review status: criteria provided, multiple submitters, no conflicts (2 of 4 stars). 2 submissions from 2 submitters: Uncertain significance (2). Last evaluated 2023-06-08.

Conditions:
Hereditary spastic paraplegia 62. Also called: Spastic paraplegia 62, autosomal recessive. Identifiers: Orphanet 401785, MedGen C4284588, MONDO:0014302, OMIM 615681.

Allele frequency attached by ClinVar (database versions not stated): TOPMed 0.00001; ExAC 0.00001; gnomAD 0.00002 and 0.00003; gnomAD exomes 0.00001 and 0.00003.
gnomAD v4.1: 43 of 1,613,694 alleles (0.0027%); highest among the groups gnomAD compares: Non-Finnish European, 0.0033%; no homozygotes.

Submissions (2):

GeneDx
Classification: Uncertain significance. Last evaluated: 2023-06-08. Review status: criteria provided, single submitter. Criteria: GeneDx Variant Classification Process June 2021. Collection method: clinical testing. Allele origin: germline. Affected: yes.
Comment: Not observed at significant frequency in large population cohorts (gnomAD); In silico analysis supports that this missense variant has a deleterious effect on protein structure/function; Has not been previously published as pathogenic or benign to our knowledge

Labcorp Genetics (formerly Invitae), Labcorp
Classification: Uncertain significance for Hereditary spastic paraplegia 62. Last evaluated: 2022-05-15. Review status: criteria provided, single submitter. Criteria: Invitae Variant Classification Sherloc (09022015). Collection method: clinical testing. Allele origin: germline.
Comment: This sequence change replaces alanine, which is neutral and non-polar, with valine, which is neutral and non-polar, at codon 258 of the ERLIN1 protein (p.Ala258Val). In summary, the available evidence is currently insufficient to determine the role of this variant in disease. Therefore, it has been classified as a Variant of Uncertain Significance. Algorithms developed to predict the effect of missense changes on protein structure and function are either unavailable or do not agree on the potential impact of this missense change (SIFT: "Deleterious"; PolyPhen-2: "Benign"; Align-GVGD: "Class C0"). ClinVar contains an entry for this variant (Variation ID: 476196). This variant has not been reported in the literature in individuals affected with ERLIN1-related conditions. This variant is present in population databases (rs763392279, gnomAD 0.006%).